The following is an entry in ClinVar:

NM_000548.5(TSC2):c.1988T>C (p.Leu663Pro)

Gene: TSC2 (TSC complex subunit 2; plus strand). Cytogenetic location: 16p13.3.
Variant type: single nucleotide variant.
Coding change: c.1988T>C on transcript NM_000548.5 (MANE Select); coding-DNA position 1988, T replaced by C.
Protein change: p.Leu663Pro; replaces leucine 663 with proline.
Molecular consequence: missense variant.
Genome position (GRCh38, 1-based): chr16:2,071,825, T>C. VCF-style: chr16-2071825-T-C. GRCh37 (hg19) VCF-style: chr16-2121826-T-C.
Other names: c.1988T>C, p.Leu663Pro (NM_001077183.3, NM_001114382.3, NM_001363528.2 and 3 more transcripts); c.1877T>C, p.Leu626Pro (NM_001318827.2); c.1841T>C, p.Leu614Pro (NM_001318829.2); c.1388T>C, p.Leu463Pro (NM_001318831.2); c.2021T>C, p.Leu674Pro (NM_001318832.2); short protein forms L614P, L626P, L663P, L463P, L674P.
Identifiers: ClinVar variation 940828 (VCV000940828.9), dbSNP rs1555506026, ClinGen allele CA394274400.

ClinVar aggregate classification (germline): Uncertain significance (1 of 4 stars; one submission).

Conditions:
Tuberous sclerosis 2 (TSC2). Identifiers: Orphanet 805, MedGen C1860707, MONDO:0013199, OMIM 613254.

Submission:

Labcorp Genetics (formerly Invitae), Labcorp
Classification: Uncertain significance for Tuberous sclerosis 2. Last evaluated: 2022-08-09. Review status: criteria provided, single submitter. Criteria: Invitae Variant Classification Sherloc (09022015). Collection method: clinical testing. Allele origin: germline.
Comment: Advanced modeling of protein sequence and biophysical properties (such as structural, functional, and spatial information, amino acid conservation, physicochemical variation, residue mobility, and thermodynamic stability) performed at Invitae indicates that this missense variant is not expected to disrupt TSC2 protein function. In summary, the available evidence is currently insufficient to determine the role of this variant in disease. Therefore, it has been classified as a Variant of Uncertain Significance. ClinVar contains an entry for this variant (Variation ID: 940828). This sequence change replaces leucine, which is neutral and non-polar, with proline, which is neutral and non-polar, at codon 663 of the TSC2 protein (p.Leu663Pro). This variant is not present in population databases (gnomAD no frequency). This variant has not been reported in the literature in individuals affected with TSC2-related conditions.